The following is an entry in ClinVar:

ClinVar aggregate classification (germline): Uncertain significance. Review status: criteria provided, multiple submitters, no conflicts (2 of 4 stars). 2 submissions from 2 submitters: Uncertain significance (2). Last evaluated 2024-06-07.

Conditions:
Inborn genetic diseases. Identifiers: MedGen C0950123, MeSH D030342.

Allele frequency attached by ClinVar (database versions not stated): gnomAD exomes 0.00002 and 0.00006; ExAC 0.00007; gnomAD 0.00022 and 0.00024; ESP Exome Variant Server 0.00023; TOPMed 0.00028; 1000 Genomes Project 30x 0.00031; 1000 Genomes Project 0.00040.
gnomAD v4.1: 69 of 1,609,802 alleles (0.0043%); highest among the groups gnomAD compares: African/African-American, 0.085%; no homozygotes.

Submissions (2):

Ambry Genetics
Classification: Uncertain significance for Inborn genetic diseases. Last evaluated: 2024-06-07. Review status: criteria provided, single submitter. Criteria: Ambry Variant Classification Scheme 2023. Collection method: clinical testing. Allele origin: germline.

Labcorp Genetics (formerly Invitae), Labcorp
Classification: Uncertain significance. Last evaluated: 2024-01-06. Review status: criteria provided, single submitter. Criteria: Invitae Variant Classification Sherloc (09022015). Collection method: clinical testing. Allele origin: germline.
Comment: This sequence change replaces tyrosine, which is neutral and polar, with cysteine, which is neutral and slightly polar, at codon 260 of the SLC25A12 protein (p.Tyr260Cys). This variant is present in population databases (rs146868573, gnomAD 0.08%). This variant has not been reported in the literature in individuals affected with SLC25A12-related conditions. ClinVar contains an entry for this variant (Variation ID: 850458). Advanced modeling of protein sequence and biophysical properties (such as structural, functional, and spatial information, amino acid conservation, physicochemical variation, residue mobility, and thermodynamic stability) performed at Invitae indicates that this missense variant is expected to disrupt SLC25A12 protein function with a positive predictive value of 80%. In summary, the available evidence is currently insufficient to determine the role of this variant in disease. Therefore, it has been classified as a Variant of Uncertain Significance.

NM_003705.5(SLC25A12):c.779A>G (p.Tyr260Cys)

Gene: SLC25A12 (solute carrier family 25 member 12; minus strand). Cytogenetic location: 2q31.1.
Variant type: single nucleotide variant.
Coding change: c.779A>G on transcript NM_003705.5 (MANE Select); coding-DNA position 779, A replaced by G.
Protein change: p.Tyr260Cys; replaces tyrosine 260 with cysteine.
Molecular consequence: missense variant. On other transcripts: non-coding transcript variant (1).
Genome position (GRCh38, 1-based): chr2:171,834,029, T>C on the plus strand (A>G on the coding strand, the complement: SLC25A12 is on the minus strand). VCF-style: chr2-171834029-T-C. GRCh37 (hg19) VCF-style: chr2-172690539-T-C.
Other names: c.779A>G (NM_003705.3); short protein forms Y260C.
Identifiers: ClinVar variation 850458 (VCV000850458.7), dbSNP rs146868573, ClinGen allele CA1966310.